The following is an entry in ClinVar:

ClinVar aggregate classification (germline): Likely benign. Review status: criteria provided, multiple submitters, no conflicts (2 of 4 stars). 3 submissions from 3 submitters: Likely benign (2). 1 of the submissions does not count toward it. Last evaluated 2026-01-04.

Conditions:
Hereditary spastic paraplegia 49 (HSAN9). Also called: Spastic paraplegia 49, autosomal recessive; TECPR2-Related Hereditary Sensory and Autonomic Neuropathy with Intellectual Disability; NEUROPATHY, HEREDITARY SENSORY AND AUTONOMIC, TYPE IX, WITH DEVELOPMENTAL DELAY. Identifiers: Orphanet 320385, MedGen C5190860, MONDO:0014016, OMIM 615031.

Allele frequency attached by ClinVar (database versions not stated): gnomAD exomes 0.00004 and 0.00010; ExAC 0.00013; 1000 Genomes Project 30x 0.00016; 1000 Genomes Project 0.00020; gnomAD 0.00032 and 0.00035; TOPMed 0.00045; ESP Exome Variant Server 0.00069.
gnomAD v4.1: 106 of 1,612,602 alleles (0.0066%); highest among the groups gnomAD compares: African/African-American, 0.1%; no homozygotes.

Submissions (3):

Labcorp Genetics (formerly Invitae), Labcorp
Classification: Likely benign for Hereditary spastic paraplegia 49. Last evaluated: 2026-01-04. Review status: criteria provided, single submitter. Criteria: Invitae Variant Classification Sherloc (09022015). Collection method: clinical testing. Allele origin: germline.

CeGaT Center for Human Genetics Tuebingen
Classification: Likely benign. Last evaluated: 2023-12-01. Review status: criteria provided, single submitter. Criteria: CeGaT Center For Human Genetics Tuebingen Variant Classification Criteria Version 2. Collection method: clinical testing. Allele origin: germline. Affected: yes. Observed: 1 variant allele.
Comment: TECPR2: BP4, BP7

Natera, Inc.
Classification: Likely benign for Autosomal recessive spastic paraplegia type 49. Last evaluated: 2020-04-17. Review status: no assertion criteria provided. Collection method: clinical testing. Allele origin: germline. Not counted in ClinVar's aggregate classification.

NM_014844.5(TECPR2):c.2847G>A (p.Ala949=)

Gene: TECPR2 (tectonin beta-propeller repeat containing 2; plus strand). Cytogenetic location: 14q32.31.
Variant type: single nucleotide variant.
Coding change: c.2847G>A on transcript NM_014844.5 (MANE Select); coding-DNA position 2847, G replaced by A.
Protein change: p.Ala949=; no amino-acid change (alanine 949 retained).
Molecular consequence: synonymous variant.
Genome position (GRCh38, 1-based): chr14:102,443,741, G>A. VCF-style: chr14-102443741-G-A. GRCh37 (hg19) VCF-style: chr14-102910078-G-A.
Other names: c.2847G>A, p.Ala949= (NM_001172631.3).
Identifiers: ClinVar variation 696065 (VCV000696065.34), dbSNP rs145452704, ClinGen allele CA7358064.